The following is an entry in ClinVar:

ClinVar aggregate classification (germline): Pathogenic. Review status: criteria provided, single submitter (1 of 4 stars). 3 submissions from 3 submitters: Pathogenic (1). 2 of the submissions do not count toward it. Last evaluated 2021-11-13.

Conditions:
KBG syndrome (KBGS). Also called: ANKRD11-Related KBG Syndrome. Identifiers: Orphanet 2332, MedGen C0220687, MONDO:0007846, OMIM 148050.

Submissions (3):

Labcorp Genetics (formerly Invitae), Labcorp
Classification: Pathogenic for KBG syndrome. Last evaluated: 2021-11-13. Review status: criteria provided, single submitter. Criteria: Invitae Variant Classification Sherloc (09022015). Collection method: clinical testing. Allele origin: germline.
Comment: For these reasons, this variant has been classified as Pathogenic. This variant disrupts a region of the ANKRD11 protein in which other variant(s) (p.Gln2609*) have been determined to be pathogenic (PMID: 25356970). This suggests that this is a clinically significant region of the protein, and that variants that disrupt it are likely to be disease-causing. Variants that disrupt the consensus splice site are a relatively common cause of aberrant splicing (PMID: 17576681, 9536098). Algorithms developed to predict the effect of sequence changes on RNA splicing suggest that this variant may disrupt the consensus splice site. ClinVar contains an entry for this variant (Variation ID: 1210092). This variant has not been reported in the literature in individuals affected with ANKRD11-related conditions. This variant is not present in population databases (gnomAD no frequency). This sequence change affects a donor splice site in intron 12 of the ANKRD11 gene. While this variant is not anticipated to result in nonsense mediated decay, it likely alters RNA splicing and results in a disrupted protein product.

Genome Diagnostics Laboratory, Amsterdam University Medical Center
Classification: Pathogenic. Review status: no assertion criteria provided. Collection method: clinical testing. Allele origin: germline. Affected: yes. Study: VKGL Data-share Consensus. Not counted in ClinVar's aggregate classification.

Joint Genome Diagnostic Labs from Nijmegen and Maastricht, Radboudumc and MUMC+
Classification: Pathogenic. Review status: no assertion criteria provided. Collection method: clinical testing. Allele origin: germline. Affected: yes. Study: VKGL Data-share Consensus. Not counted in ClinVar's aggregate classification.

Literature cited by the submitters: PubMed 25356970 (cited by Labcorp Genetics (formerly Invitae), Labcorp); PubMed 17576681 (cited by Labcorp Genetics (formerly Invitae), Labcorp); PubMed 9536098 (cited by Labcorp Genetics (formerly Invitae), Labcorp).

NM_013275.6(ANKRD11):c.7806+1G>T

Gene: ANKRD11 (ankyrin repeat domain 11; minus strand). Cytogenetic location: 16q24.3.
Variant type: single nucleotide variant.
Coding change: c.7806+1G>T on transcript NM_013275.6 (MANE Select); the canonical splice donor site of the intron after coding-DNA position 7806, G replaced by T.
Molecular consequence: splice donor variant.
Genome position (GRCh38, 1-based): chr16:89,270,816, C>A on the plus strand (G>T on the coding strand, the complement: ANKRD11 is on the minus strand). VCF-style: chr16-89270816-C-A. GRCh37 (hg19) VCF-style: chr16-89337224-C-A.
Other names: c.7806+1G>T (NM_001256183.2, NM_001256182.2).
Identifiers: ClinVar variation 1210092 (VCV001210092.9), dbSNP rs2151675590, ClinGen allele CA397146297.